The following is an entry in ClinVar:

NM_000245.4(MET):c.3115del (p.Asp1039fs)

Gene: MET (MET proto-oncogene, receptor tyrosine kinase; plus strand). Cytogenetic location: 7q31.2.
Variant type: Deletion.
Coding change: c.3115del on transcript NM_000245.4 (MANE Select); coding-DNA position 3115, one base deleted (G; older notation c.3115delG).
Protein change: p.Asp1039fs; shifts the reading frame from aspartic acid 1039.
Molecular consequence: frameshift variant.
Genome position (GRCh38, 1-based): chr7:116,774,967, G deleted; the last of 4 consecutive G bases (chr7:116,774,964-116,774,967); deleting any one gives the same sequence. VCF-style (leftmost placement, unchanged base first): chr7-116774963-TG-T. GRCh37 (hg19) VCF-style: chr7-116415017-TG-T.
Other names: c.3169del, p.Asp1057fs (NM_001127500.3); c.1825del, p.Asp609fs (NM_001324402.2); short protein forms D1039fs, D1057fs, D609fs.
Identifiers: ClinVar variation 2023060 (VCV002023060.4), dbSNP rs2485806264, ClinGen allele CA2580076237.

ClinVar aggregate classification (germline): Uncertain significance (1 of 4 stars; one submission).

Conditions:
Renal cell carcinoma. Identifiers: Orphanet 217071, MedGen C0007134, MeSH D002292, MONDO:0005086, HP:0005584.

Submission:

Labcorp Genetics (formerly Invitae), Labcorp
Classification: Uncertain significance for Renal cell carcinoma. Last evaluated: 2022-08-21. Review status: criteria provided, single submitter. Criteria: Invitae Variant Classification Sherloc (09022015). Collection method: clinical testing. Allele origin: germline.
Comment: This variant has not been reported in the literature in individuals affected with MET-related conditions. This variant is not present in population databases (gnomAD no frequency). This sequence change creates a premature translational stop signal (p.Asp1057Thrfs*20) in the MET gene. It is expected to result in an absent or disrupted protein product. However, the current clinical and genetic evidence is not sufficient to establish whether loss-of-function variants in MET cause disease. In summary, the available evidence is currently insufficient to determine the role of this variant in disease. Therefore, it has been classified as a Variant of Uncertain Significance.